The following is an entry in ClinVar:

ClinVar aggregate classification (germline): Pathogenic. Review status: reviewed by expert panel (3 of 4 stars). 2 submissions from 2 submitters: Pathogenic (1). 1 of the submissions does not count toward it. Last evaluated 2017-12-15.

Conditions:
Breast-ovarian cancer, familial, susceptibility to, 1 (BROVCA1). Also called: OVARIAN CANCER, SUSCEPTIBILITY TO; BRCA1 Hereditary Breast and Ovarian Cancer. Identifiers: Orphanet 145, MedGen C2676676, MONDO:0011450, OMIM 604370. Disease mechanism: loss of function.
Familial cancer of breast. Also called: Hereditary breast cancer; hereditary breast carcinoma; BREAST CANCER, FAMILIAL. Identifiers: Orphanet 227535, MedGen C0346153, MONDO:0016419, OMIM 114480. Disease mechanism: loss of function.

Submissions (2):

Evidence-based Network for the Interpretation of Germline Mutant Alleles (ENIGMA)
Classification: Pathogenic for Breast-ovarian cancer, familial, susceptibility to, 1. Last evaluated: 2017-12-15. Review status: reviewed by expert panel. Criteria: ENIGMA BRCA1/2 Classification Criteria (2017-06-29). Collection method: curation. Allele origin: germline. Study: ENIGMA.
Comment: Variant allele predicted to encode a truncated non-functional protein.

ClinVar Staff, National Center for Biotechnology Information (NCBI)
No classification provided. Condition: Familial cancer of breast. Review status: no classification provided. Collection method: literature only. Allele origin: germline. Affected: yes. Not counted in ClinVar's aggregate classification.

Literature cited by the submitters: PubMed 11802209 (cited by ClinVar Staff, National Center for Biotechnology Information (NCBI)).

NM_007294.4(BRCA1):c.1339dup (p.Val447fs)

Gene: BRCA1 (BRCA1 DNA repair associated; minus strand). Cytogenetic location: 17q21.31.
Variant type: Duplication.
Coding change: c.1339dup on transcript NM_007294.4 (MANE Select); coding-DNA position 1339, one base duplicated (G; older notation c.1339dupG).
Protein change: p.Val447fs; shifts the reading frame from valine 447.
Molecular consequence: frameshift variant. On other transcripts: intron variant (137).
Genome position (GRCh38, 1-based): chr17:43,094,192, C duplicated on the plus strand (G on the coding strand, the reverse complement: BRCA1 is on the minus strand). VCF-style (leftmost placement, unchanged base first): chr17-43094191-A-AC. GRCh37 (hg19) VCF-style: chr17-41246208-A-AC.
Other names: c.1339dupG (NM_007294.3); c.1126dup, p.Val376fs (NM_001407571.1, NM_001407853.1, NM_001407894.1 and 9 more transcripts); c.1339dup, p.Val447fs (NM_001407581.1, NM_001407582.1, NM_001407583.1 and 30 more transcripts); c.1336dup, p.Val446fs (NM_001407587.1, NM_001407590.1, NM_001407591.1 and 22 more transcripts); c.1330dup, p.Val444fs (NM_001407646.1, NM_001407647.1); c.1216dup, p.Val406fs (NM_001407648.1, NM_001407664.1, NM_001407665.1 and 19 more transcripts); c.1213dup, p.Val405fs (NM_001407649.1, NM_001407670.1, NM_001407671.1 and 11 more transcripts); c.1261dup, p.Val421fs (NM_001407653.1, NM_001407654.1, NM_001407655.1 and 4 more transcripts); and 41 more; short protein forms V447fs, V400fs, V320fs, V358fs, V359fs, V405fs, V420fs, V151fs.
Identifiers: ClinVar variation 54206 (VCV000054206.3), dbSNP rs397508855, ClinGen allele CA327736.